The following is an entry in ClinVar:

ClinVar aggregate classification (germline): Uncertain significance (1 of 4 stars; one submission).

Submission:

Labcorp Genetics (formerly Invitae), Labcorp
Classification: Uncertain significance. Last evaluated: 2025-08-25. Review status: criteria provided, single submitter. Criteria: Invitae Variant Classification Sherloc (09022015). Collection method: clinical testing. Allele origin: germline.
Comment: This sequence change replaces asparagine, which is neutral and polar, with lysine, which is basic and polar, at codon 4856 of the USH2A protein (p.Asn4856Lys). This variant is not present in population databases (gnomAD no frequency). This missense change has been observed in individual(s) with retinitis pigmentosa (internal data). Invitae Evidence Modeling of protein sequence and biophysical properties (such as structural, functional, and spatial information, amino acid conservation, physicochemical variation, residue mobility, and thermodynamic stability) has been performed for this missense variant. However, the output from this modeling did not meet the statistical confidence thresholds required to predict the impact of this variant on USH2A protein function. In summary, the available evidence is currently insufficient to determine the role of this variant in disease. Therefore, it has been classified as a Variant of Uncertain Significance.

NM_206933.4(USH2A):c.14568T>G (p.Asn4856Lys)

Gene: USH2A (usherin; minus strand). Cytogenetic location: 1q41.
Variant type: single nucleotide variant.
Coding change: c.14568T>G on transcript NM_206933.4 (MANE Select); coding-DNA position 14568, T replaced by G.
Protein change: p.Asn4856Lys; replaces asparagine 4856 with lysine.
Molecular consequence: missense variant.
Genome position (GRCh38, 1-based): chr1:215,648,542, A>C on the plus strand (T>G on the coding strand, the complement: USH2A is on the minus strand). VCF-style: chr1-215648542-A-C. GRCh37 (hg19) VCF-style: chr1-215821884-A-C.
Other names: short protein forms N4856K.
Identifiers: ClinVar variation 4800022 (VCV004800022.1).